The following is an entry in ClinVar:

NM_002471.4(MYH6):c.1500G>C (p.Glu500Asp)

Gene: MYH6 (myosin heavy chain 6; minus strand). Cytogenetic location: 14q11.2.
Variant type: single nucleotide variant.
Coding change: c.1500G>C on transcript NM_002471.4 (MANE Select); coding-DNA position 1500, G replaced by C.
Protein change: p.Glu500Asp; replaces glutamic acid 500 with aspartic acid.
Molecular consequence: missense variant.
Genome position (GRCh38, 1-based): chr14:23,400,337, C>G on the plus strand (G>C on the coding strand, the complement: MYH6 is on the minus strand). VCF-style: chr14-23400337-C-G. GRCh37 (hg19) VCF-style: chr14-23869546-C-G.
Other names: short protein forms E500D.
Identifiers: ClinVar variation 578847 (VCV000578847.10), dbSNP rs372073959, ClinGen allele CA7115794.

ClinVar aggregate classification (germline): Uncertain significance. Review status: criteria provided, multiple submitters, no conflicts (2 of 4 stars). 2 submissions from 2 submitters: Uncertain significance (2). Last evaluated 2018-09-14.

Conditions:
Cardiovascular phenotype. Identifiers: MedGen CN230736.
Hypertrophic cardiomyopathy 14. Identifiers: MedGen C2750467, MONDO:0013197, OMIM 613251.

Allele frequency attached by ClinVar (database versions not stated): gnomAD exomes below 0.00001; TOPMed below 0.00001; ExAC 0.00001; gnomAD 0.00001; ESP Exome Variant Server 0.00008.
gnomAD v4.1: 8 of 1,614,092 alleles (0.0005%); highest among the groups gnomAD compares: Non-Finnish European, 0.00025%; no homozygotes.

Submissions (2):

Ambry Genetics
Classification: Uncertain significance for Cardiovascular phenotype. Last evaluated: 2018-09-14. Review status: criteria provided, single submitter. Criteria: Ambry Variant Classification Scheme 2023. Collection method: clinical testing. Allele origin: germline.
Comment: The p.E500D variant (also known as c.1500G>C), located in coding exon 12 of the MYH6 gene, results from a G to C substitution at nucleotide position 1500. The glutamic acid at codon 500 is replaced by aspartic acid, an amino acid with highly similar properties. This amino acid position is highly conserved in available vertebrate species. In addition, the in silico prediction for this alteration is inconclusive. Since supporting evidence is limited at this time, the clinical significance of this alteration remains unclear.

Labcorp Genetics (formerly Invitae), Labcorp
Classification: Uncertain significance for Hypertrophic cardiomyopathy 14. Last evaluated: 2018-01-20. Review status: criteria provided, single submitter. Criteria: Invitae Variant Classification Sherloc (09022015). Collection method: clinical testing. Allele origin: germline.
Comment: This sequence change replaces glutamic acid with aspartic acid at codon 500 of the MYH6 protein (p.Glu500Asp). The glutamic acid residue is weakly conserved and there is a small physicochemical difference between glutamic acid and aspartic acid. This variant is present in population databases (rs372073959, ExAC 0.001%). In summary, the available evidence is currently insufficient to determine the role of this variant in disease. Therefore, it has been classified as a Variant of Uncertain Significance. Algorithms developed to predict the effect of missense changes on protein structure and function (SIFT, PolyPhen-2, Align-GVGD) all suggest that this variant is likely to be tolerated, but these predictions have not been confirmed by published functional studies and their clinical significance is uncertain. This variant has not been reported in the literature in individuals with MYH6-related disease.